The following is an entry in ClinVar:

ClinVar aggregate classification (germline): Conflicting classifications of pathogenicity. Review status: criteria provided, conflicting classifications (1 of 4 stars). 2 submissions from 2 submitters: Uncertain significance (1); Likely benign (1). Last evaluated 2024-10-15.

Conditions:
Familial hypobetalipoproteinemia 1. Also called: Hypobetalipoproteinemia, normotriglyceridemic; Acanthocytosis with hypobetalipoproteinemia; APOB-Related Familial Hypobetalipoproteinemia. Identifiers: MedGen C4551990, MONDO:0014252, OMIM 615558.
Hypercholesterolemia, autosomal dominant, type B (FHCL2). Also called: APOLIPOPROTEIN B-100, FAMILIAL DEFECTIVE; APOLIPOPROTEIN B-100, FAMILIAL LIGAND-DEFECTIVE; HYPERCHOLESTEROLEMIA, FAMILIAL, DUE TO LIGAND-DEFECTIVE APOLIPOPROTEIN B; Hyperlipoproteinemia Type IIb; Familial hypercholesterolemia 2; APOB-Related Familial Hypercholesterolemia, Autosomal Dominant. Identifiers: MedGen C1704417, MONDO:0007751, OMIM 144010.
Cardiovascular phenotype. Identifiers: MedGen CN230736.

Allele frequency attached by ClinVar (database versions not stated): gnomAD exomes below 0.00001; TOPMed below 0.00001.
gnomAD v4.1: 1 of 1,614,038 alleles (0.000062%); highest among the groups gnomAD compares: Admixed American, 0.0017%; no homozygotes.

Submissions (2):

Ambry Genetics
Classification: Uncertain significance for Cardiovascular phenotype. Last evaluated: 2024-10-15. Review status: criteria provided, single submitter. Criteria: Ambry Variant Classification Scheme 2023. Collection method: clinical testing. Allele origin: germline.
Comment: The p.T3018I variant (also known as c.9053C>T), located in coding exon 26 of the APOB gene, results from a C to T substitution at nucleotide position 9053. The threonine at codon 3018 is replaced by isoleucine, an amino acid with similar properties. This amino acid position is conserved. In addition, this alteration is predicted to be tolerated by in silico analysis. Based on the available evidence, the clinical significance of this variant remains unclear.

Labcorp Genetics (formerly Invitae), Labcorp
Classification: Likely benign for Familial hypobetalipoproteinemia 1; Hypercholesterolemia, autosomal dominant, type B. Last evaluated: 2024-05-06. Review status: criteria provided, single submitter. Criteria: Invitae Variant Classification Sherloc (09022015). Collection method: clinical testing. Allele origin: germline.

NM_000384.3(APOB):c.9053C>T (p.Thr3018Ile)

Gene: APOB (apolipoprotein B; minus strand). Cytogenetic location: 2p24.1.
Variant type: single nucleotide variant.
Coding change: c.9053C>T on transcript NM_000384.3 (MANE Select); coding-DNA position 9053, C replaced by T.
Protein change: p.Thr3018Ile; replaces threonine 3018 with isoleucine.
Molecular consequence: missense variant.
Genome position (GRCh38, 1-based): chr2:21,007,815, G>A on the plus strand (C>T on the coding strand, the complement: APOB is on the minus strand). VCF-style: chr2-21007815-G-A. GRCh37 (hg19) VCF-style: chr2-21230687-G-A.
Other names: short protein forms T3018I.
Identifiers: ClinVar variation 863139 (VCV000863139.13), dbSNP rs1274309821, ClinGen allele CA345992537.
Genomic context (GRCh38, chr2:21,007,815, plus strand): 5'-AAAAGAGAATTTTTCAAAGTTCCAATAACCTTTCCATTTAAATGAGCATCATGCCTCCCA[G>A]TAAACTCTGCCTTCCCTTCTCCAAACAGTGCCATGCCTTTAGCAGTTAGAACACTGTGGC-3'
Protein context (NP_000375.3, residues 3008-3028): ALFGEGKAEF[Thr3018Ile]GRHDAHLNGK